The following is an entry in ClinVar:

ClinVar aggregate classification (germline): Uncertain significance (1 of 4 stars; one submission).

Conditions:
Primary ciliary dyskinesia. Also called: Ciliary dyskinesia. Identifiers: Orphanet 244, MedGen C0008780, MONDO:0016575, HP:0012265.

Submission:

Labcorp Genetics (formerly Invitae), Labcorp
Classification: Uncertain significance for Primary ciliary dyskinesia. Last evaluated: 2025-05-19. Review status: criteria provided, single submitter. Criteria: Invitae Variant Classification Sherloc (09022015). Collection method: clinical testing. Allele origin: germline.
Comment: This variant, c.13168_13179dup, results in the insertion of 4 amino acid(s) of the DNAH11 protein (p.Met4390_Met4393dup), but otherwise preserves the integrity of the reading frame. This variant is not present in population databases (gnomAD no frequency). This variant has not been reported in the literature in individuals affected with DNAH11-related conditions. In summary, the available evidence is currently insufficient to determine the role of this variant in disease. Therefore, it has been classified as a Variant of Uncertain Significance.

NM_001277115.2(DNAH11):c.13168_13179dup (p.Met4393_Ala4394insMetGlnThrMet)

Gene: DNAH11 (dynein axonemal heavy chain 11; plus strand). Cytogenetic location: 7p15.3.
Variant type: Duplication.
Coding change: c.13168_13179dup on transcript NM_001277115.2 (MANE Select); coding-DNA positions 13168 to 13179, 12 bases duplicated (ATGCAGACGATG).
Protein change: p.Met4393_Ala4394insMetGlnThrMet.
Molecular consequence: inframe insertion.
Genome position (GRCh38, 1-based): chr7:21,899,985-21,899,996, ATGCAGACGATG duplicated. VCF-style (leftmost placement, unchanged base first): chr7-21899984-C-CATGCAGACGATG. GRCh37 (hg19) VCF-style: chr7-21939602-C-CATGCAGACGATG.
Identifiers: ClinVar variation 4717428 (VCV004717428.1).
Genomic context (GRCh38, chr7:21,899,984, plus strand): 5'-CGGGAACCTTACATGCAACACTTTTATCCTATTCAATTTTTGTTATATTTCCAAAGCAAT[C>CATGCAGACGATG]ATGCAGACGATGGCTCGAAAAAATGAGTGGCCCCTGGATAAAACGCGCTTGACTGCTGAT-3'